The following is an entry in ClinVar:

NM_000260.4(MYO7A):c.3750+7G>A

Gene: MYO7A (myosin VIIA; plus strand). Cytogenetic location: 11q13.5.
Variant type: single nucleotide variant.
Coding change: c.3750+7G>A on transcript NM_000260.4 (MANE Select); 7 bases into the intron after coding-DNA position 3750, G replaced by A.
Molecular consequence: intron variant.
Genome position (GRCh38, 1-based): chr11:77,190,146, G>A. VCF-style: chr11-77190146-G-A. GRCh37 (hg19) VCF-style: chr11-76901191-G-A.
Other names: c.3717+7G>A (NM_001369365.1); c.3750+7G>A (NM_001127180.2).
Identifiers: ClinVar variation 43221 (VCV000043221.23), dbSNP rs397516305, ClinGen allele CA132304.

ClinVar aggregate classification (germline): Conflicting classifications of pathogenicity. Review status: criteria provided, conflicting classifications (1 of 4 stars). 6 submissions from 6 submitters: Uncertain significance (1); Likely benign (4). 1 of the submissions does not count toward it. Last evaluated 2026-01-20.

Conditions:
MYO7A-related disorder. Also called: MYO7A-related disorders.
Usher syndrome type 1B (USH1B). Also called: Usher syndrome type IB. Identifiers: MedGen C1848638, MONDO:0700087.

Allele frequency attached by ClinVar (database versions not stated): gnomAD 0.00009 and 0.00017; gnomAD exomes 0.00012 and 0.00015; TOPMed 0.00012; ExAC 0.00015; 1000 Genomes Project 0.00060; 1000 Genomes Project 30x 0.00078.
gnomAD v4.1: 201 of 1,554,042 alleles (0.013%); highest among the groups gnomAD compares: South Asian, 0.081%; no homozygotes.

Submissions (6):

Labcorp Genetics (formerly Invitae), Labcorp
Classification: Likely benign. Last evaluated: 2026-01-20. Review status: criteria provided, single submitter. Criteria: Invitae Variant Classification Sherloc (09022015). Collection method: clinical testing. Allele origin: germline.

PreventionGenetics, part of Exact Sciences
Classification: Likely benign for MYO7A-related condition. Last evaluated: 2024-11-13. Review status: criteria provided, single submitter. Criteria: ACMG Guidelines, 2015. Collection method: clinical testing. Allele origin: germline.
Comment: This variant is classified as likely benign based on ACMG/AMP sequence variant interpretation guidelines (Richards et al. 2015 PMID: 25741868, with internal and published modifications).

Blueprint Genetics
Classification: Likely benign. Last evaluated: 2024-07-31. Review status: criteria provided, single submitter. Criteria: ACMG Guidelines, 2015. Collection method: clinical testing. Allele origin: germline.

Eurofins Ntd Llc (ga)
Classification: Uncertain significance. Last evaluated: 2016-12-06. Review status: criteria provided, single submitter. Criteria: EGL Classification Definitions 2015. Collection method: clinical testing. Allele origin: germline. Observed: 1 variant allele, 1 heterozygote.

Laboratory for Molecular Medicine, Mass General Brigham Personalized Medicine
Classification: Likely benign. Last evaluated: 2010-05-06. Review status: criteria provided, single submitter. Criteria: LMM Criteria. Collection method: clinical testing. Allele origin: germline. Observed: 1 variant allele.

Natera, Inc.
Classification: Uncertain significance for Usher syndrome type 1B. Last evaluated: 2020-04-16. Review status: no assertion criteria provided. Collection method: clinical testing. Allele origin: germline. Not counted in ClinVar's aggregate classification.